The following is an entry in ClinVar:

ClinVar aggregate classification (germline): Uncertain significance. Review status: criteria provided, multiple submitters, no conflicts (2 of 4 stars). 2 submissions from 2 submitters: Uncertain significance (2). Last evaluated 2025-05-07.

Conditions:
Inborn genetic diseases. Identifiers: MedGen C0950123, MeSH D030342.

gnomAD v4.1: 2 of 1,613,896 alleles (0.00012%); highest among the groups gnomAD compares: African/African-American, 0.0013%; no homozygotes.

Submissions (2):

Labcorp Genetics (formerly Invitae), Labcorp
Classification: Uncertain significance. Last evaluated: 2025-05-07. Review status: criteria provided, single submitter. Criteria: Invitae Variant Classification Sherloc (09022015). Collection method: clinical testing. Allele origin: germline.
Comment: This sequence change replaces serine, which is neutral and polar, with glycine, which is neutral and non-polar, at codon 798 of the ASXL1 protein (p.Ser798Gly). This variant is not present in population databases (gnomAD no frequency). This variant has not been reported in the literature in individuals affected with ASXL1-related conditions. ClinVar contains an entry for this variant (Variation ID: 3438349). An algorithm developed to predict the effect of missense changes on protein structure and function outputs the following: PolyPhen-2: "Benign". The glycine amino acid residue is found in multiple mammalian species, which suggests that this missense change does not adversely affect protein function. In summary, the available evidence is currently insufficient to determine the role of this variant in disease. Therefore, it has been classified as a Variant of Uncertain Significance.

Ambry Genetics
Classification: Uncertain significance for Inborn genetic diseases. Last evaluated: 2024-11-21. Review status: criteria provided, single submitter. Criteria: Ambry Variant Classification Scheme 2023. Collection method: clinical testing. Allele origin: germline.
Comment: The p.S798G variant (also known as c.2392A>G), located in coding exon 13 of the ASXL1 gene, results from an A to G substitution at nucleotide position 2392. The serine at codon 798 is replaced by glycine, an amino acid with similar properties. This amino acid position is conserved. In addition, this alteration is predicted to be tolerated by in silico analysis. Based on the available evidence, the clinical significance of this variant remains unclear.

NM_015338.6(ASXL1):c.2392A>G (p.Ser798Gly)

Gene: ASXL1 (ASXL transcriptional regulator 1; plus strand). Cytogenetic location: 20q11.21.
Variant type: single nucleotide variant.
Coding change: c.2392A>G on transcript NM_015338.6 (MANE Select); coding-DNA position 2392, A replaced by G.
Protein change: p.Ser798Gly; replaces serine 798 with glycine.
Molecular consequence: missense variant.
Genome position (GRCh38, 1-based): chr20:32,435,104, A>G. VCF-style: chr20-32435104-A-G. GRCh37 (hg19) VCF-style: chr20-31022907-A-G.
Other names: c.2209A>G, p.Ser737Gly (NM_001363734.1); short protein forms S737G, S798G.
Identifiers: ClinVar variation 3438349 (VCV003438349.2).